The following is an entry in ClinVar:

NM_004431.5(EPHA2):c.1712C>T (p.Pro571Leu)

Gene: EPHA2 (EPH receptor A2; minus strand). Cytogenetic location: 1p36.13.
Variant type: single nucleotide variant.
Coding change: c.1712C>T on transcript NM_004431.5 (MANE Select); coding-DNA position 1712, C replaced by T.
Protein change: p.Pro571Leu; replaces proline 571 with leucine.
Molecular consequence: missense variant.
Genome position (GRCh38, 1-based): chr1:16,133,886, G>A on the plus strand (C>T on the coding strand, the complement: EPHA2 is on the minus strand). VCF-style: chr1-16133886-G-A. GRCh37 (hg19) VCF-style: chr1-16460381-G-A.
Other names: c.1550C>T, p.Pro517Leu (NM_001329090.2); short protein forms P571L, P517L.
Identifiers: ClinVar variation 293425 (VCV000293425.18), dbSNP rs376402047, ClinGen allele CA625081.

ClinVar aggregate classification (germline): Conflicting classifications of pathogenicity. Review status: criteria provided, conflicting classifications (1 of 4 stars). 2 submissions from 2 submitters: Uncertain significance (1); Likely benign (1). Last evaluated 2025-02-01.

Conditions:
Cataract 6 multiple types. Also called: CATARACT 6, POSTERIOR POLAR; CATARACT 6, CONGENITAL TOTAL; CATARACT, AGE-RELATED CORTICAL, 2. Identifiers: Orphanet 91492, MedGen C1861825, MONDO:0007288, OMIM 116600.

Allele frequency attached by ClinVar (database versions not stated): ESP Exome Variant Server 0.00009; gnomAD exomes 0.00009 and 0.00011; TOPMed 0.00010; gnomAD 0.00012 and 0.00013; ExAC 0.00016.
gnomAD v4.1: 202 of 1,550,256 alleles (0.013%); highest among the groups gnomAD compares: East Asian, 0.034%; 1 homozygote.

Submissions (2):

CeGaT Center for Human Genetics Tuebingen
Classification: Likely benign. Last evaluated: 2025-02-01. Review status: criteria provided, single submitter. Criteria: CeGaT Center For Human Genetics Tuebingen Variant Classification Criteria Version 2. Collection method: clinical testing. Allele origin: germline. Affected: yes. Observed: 1 variant allele.
Comment: EPHA2: BP4, BS2

Illumina Laboratory Services, Illumina
Classification: Uncertain significance for Cataract 6 multiple types. Last evaluated: 2018-01-13. Review status: criteria provided, single submitter. Criteria: ICSL Variant Classification Criteria 13 December 2019. Collection method: clinical testing. Allele origin: germline.